The following is an entry in ClinVar:

ClinVar aggregate classification (germline): Uncertain significance (1 of 4 stars; one submission).

gnomAD v4.1: 12 of 1,613,968 alleles (0.00074%); highest among the groups gnomAD compares: Admixed American, 0.02%; no homozygotes.

Submission:

Labcorp Genetics (formerly Invitae), Labcorp
Classification: Uncertain significance. Last evaluated: 2025-03-09. Review status: criteria provided, single submitter. Criteria: Invitae Variant Classification Sherloc (09022015). Collection method: clinical testing. Allele origin: germline.
Comment: This sequence change replaces tryptophan, which is neutral and slightly polar, with cysteine, which is neutral and slightly polar, at codon 855 of the GRID2 protein (p.Trp855Cys). This variant is present in population databases (rs748167220, gnomAD 0.03%). This variant has not been reported in the literature in individuals affected with GRID2-related conditions. Invitae Evidence Modeling of protein sequence and biophysical properties (such as structural, functional, and spatial information, amino acid conservation, physicochemical variation, residue mobility, and thermodynamic stability) indicates that this missense variant is not expected to disrupt GRID2 protein function with a negative predictive value of 80%. In summary, the available evidence is currently insufficient to determine the role of this variant in disease. Therefore, it has been classified as a Variant of Uncertain Significance.

NM_001510.4(GRID2):c.2565G>C (p.Trp855Cys)

Gene: GRID2 (glutamate ionotropic receptor delta type subunit 2; plus strand). Cytogenetic location: 4q22.2.
Variant type: single nucleotide variant.
Coding change: c.2565G>C on transcript NM_001510.4 (MANE Select); coding-DNA position 2565, G replaced by C.
Protein change: p.Trp855Cys; replaces tryptophan 855 with cysteine.
Molecular consequence: missense variant.
Genome position (GRCh38, 1-based): chr4:93,769,414, G>C. VCF-style: chr4-93769414-G-C. GRCh37 (hg19) VCF-style: chr4-94690565-G-C.
Other names: c.2280G>C, p.Trp760Cys (NM_001286838.1); c.2565G>C, p.Trp855Cys (NM_001440459.1); short protein forms W760C, W855C.
Identifiers: ClinVar variation 4811729 (VCV004811729.1).
Genomic context (GRCh38, chr4:93,769,414, plus strand): 5'-TTGTATCCTGGCTGCTGGAATTGTCCTCTCCTGCTTCATAGCCATGCTGGAGACGTGGTG[G>C]AACAAGAGGAAAGGCTCCCGGGTTCCATCAAAAGAGGTACTTGATTGAGAGATTTGGCTC-3'
Protein context (NP_001501.2, residues 845-865): SCFIAMLETW[Trp855Cys]NKRKGSRVPS